The following is an entry in ClinVar:

NM_000431.4(MVK):c.3G>A (p.Met1Ile)

Gene: MVK (mevalonate kinase; plus strand). Cytogenetic location: 12q24.11.
Variant type: single nucleotide variant.
Coding change: c.3G>A on transcript NM_000431.4 (MANE Select); coding-DNA position 3, G replaced by A.
Protein change: p.Met1Ile; changes the start codon (methionine 1).
Molecular consequence: missense variant, initiator codon variant. On other transcripts: non-coding transcript variant (4), intron variant (1).
Genome position (GRCh38, 1-based): chr12:109,574,825, G>A. VCF-style: chr12-109574825-G-A. GRCh37 (hg19) VCF-style: chr12-110012630-G-A.
Other names: c.3G>A, p.Met1Ile (NM_001114185.3, NM_001301182.2, NM_001414511.1 and 3 more transcripts); c.-505+952G>A (NM_001414515.1); short protein forms M1I.
Identifiers: ClinVar variation 3759174 (VCV003759174.3).

ClinVar aggregate classification (germline): Pathogenic/Likely pathogenic. Review status: criteria provided, multiple submitters, no conflicts (2 of 4 stars). 2 submissions from 2 submitters: Pathogenic (1); Likely pathogenic (1). Last evaluated 2026-04-09.

Conditions:
Mevalonic aciduria (MEVA). Identifiers: Orphanet 29, MedGen C1959626, MONDO:0012481, OMIM 610377.
Porokeratosis 3, disseminated superficial actinic type (POROK3). Also called: POROKERATOSIS, DISSEMINATED SUPERFICIAL ACTINIC, 1; POROKERATOSIS 3, MULTIPLE TYPES; POROKERATOSIS 3, MIBELLI TYPE. Identifiers: MedGen C1867981, MONDO:0008293, OMIM 175900.
Hyperimmunoglobulin D with periodic fever (HIDS). Also called: HYPERIMMUNOGLOBULINEMIA D AND PERIODIC FEVER SYNDROME; Hyperimmunoglobulinemia D; Hyperimmunoglobulinemia D with periodic fever. Identifiers: Orphanet 343, MedGen C0398691, MONDO:0009849, OMIM 260920.

Submissions (2):

GeneDx
Classification: Likely pathogenic. Last evaluated: 2026-04-09. Review status: criteria provided, single submitter. Criteria: GeneDx Variant Classification Process June 2021. Collection method: clinical testing. Allele origin: germline.
Comment: Initiation codon variant in a gene for which loss of function is a known mechanism of disease; Not observed at significant frequency in large population cohorts (gnomAD); Has not been previously published as pathogenic or benign in association with MVK-related disorders to our knowledge; This variant is associated with the following publications: (PMID: 26990548)

Labcorp Genetics (formerly Invitae), Labcorp
Classification: Pathogenic for Mevalonic aciduria; Hyperimmunoglobulin D with periodic fever; Porokeratosis 3, disseminated superficial actinic type. Last evaluated: 2025-12-06. Review status: criteria provided, single submitter. Criteria: Invitae Variant Classification Sherloc (09022015). Collection method: clinical testing. Allele origin: germline.
Comment: This sequence change affects the initiator codon of the MVK mRNA. This change may impact translation initiation or efficiency. The next in-frame methionine is located at codon 195. This variant is not present in population databases (gnomAD no frequency). Disruption of the initiator codon has been observed in individual(s) with hyper IgD syndrome (PMID: 22038276). ClinVar contains an entry for this variant (Variation ID: 3759174). This variant disrupts a region of the MVK protein in which other variant(s) (p.His20Asn) have been determined to be pathogenic (PMID: 11313769, 27213830, 28501347). This suggests that this is a clinically significant region of the protein, and that variants that disrupt it are likely to be disease-causing. For these reasons, this variant has been classified as Pathogenic.

Literature cited by the submitters: PubMed 22038276 (cited by Labcorp Genetics (formerly Invitae), Labcorp); PubMed 11313769 (cited by Labcorp Genetics (formerly Invitae), Labcorp); PubMed 27213830 (cited by Labcorp Genetics (formerly Invitae), Labcorp); PubMed 28501347 (cited by Labcorp Genetics (formerly Invitae), Labcorp).